The following is an entry in ClinVar:

NM_000138.5(FBN1):c.4535A>T (p.Asp1512Val)

Gene: FBN1 (fibrillin 1; minus strand). Cytogenetic location: 15q21.1.
Variant type: single nucleotide variant.
Coding change: c.4535A>T on transcript NM_000138.5 (MANE Select); coding-DNA position 4535, A replaced by T.
Protein change: p.Asp1512Val; replaces aspartic acid 1512 with valine.
Molecular consequence: missense variant.
Genome position (GRCh38, 1-based): chr15:48,468,459, T>A on the plus strand (A>T on the coding strand, the complement: FBN1 is on the minus strand). VCF-style: chr15-48468459-T-A. GRCh37 (hg19) VCF-style: chr15-48760656-T-A.
Other names: c.4535A>T, p.Asp1512Val (NM_001406716.1); short protein forms D1512V.
Identifiers: ClinVar variation 4757782 (VCV004757782.1).

ClinVar aggregate classification (germline): Uncertain significance (1 of 4 stars; one submission).

Conditions:
Familial thoracic aortic aneurysm and aortic dissection (TAAD). Also called: Thoracic aortic aneurysms and dissections. Identifiers: Orphanet 91387, MedGen C4707243, MONDO:0019625.

Submission:

Color Diagnostics, LLC DBA Color Health
Classification: Uncertain significance for Familial thoracic aortic aneurysm and aortic dissection. Last evaluated: 2025-08-25. Review status: criteria provided, single submitter. Criteria: ACMG Guidelines, 2015. Collection method: clinical testing. Allele origin: germline.
Comment: This missense variant replaces aspartic acid with valine at codon 1512 of the FBN1 protein. Computational prediction suggests that this variant may not impact protein structure and function. To our knowledge, functional studies have not been reported for this variant. This variant has not been reported in individuals affected with FBN1-related disorders in the literature. This variant has not been identified in the general population by the Genome Aggregation Database (gnomAD). The available evidence is insufficient to determine the role of this variant in disease conclusively. Therefore, this variant is classified as a Variant of Uncertain Significance.